The following is an entry in ClinVar:

NM_006031.6(PCNT):c.2562C>G (p.Leu854=)

Gene: PCNT (pericentrin; plus strand). Cytogenetic location: 21q22.3.
Variant type: single nucleotide variant.
Coding change: c.2562C>G on transcript NM_006031.6 (MANE Select); coding-DNA position 2562, C replaced by G.
Protein change: p.Leu854=; no amino-acid change (leucine 854 retained).
Molecular consequence: synonymous variant.
Genome position (GRCh38, 1-based): chr21:46,363,887, C>G. VCF-style: chr21-46363887-C-G. GRCh37 (hg19) VCF-style: chr21-47783802-C-G.
Other names: c.2562C>G (NM_006031.5); c.2208C>G, p.Leu736= (NM_001315529.2).
Identifiers: ClinVar variation 2990055 (VCV002990055.4), dbSNP rs528047242, ClinGen allele CA10079014.
Genomic context (GRCh38, chr21:46,363,887, plus strand): 5'-GCATTGCAGCCAGTGTGGGCGGGAGCCGCCCACAGCCCAGGACGGGGAGCTTGCTGCGCT[C>G]CACGTGAAGGAAGACTGCGCCCTGCAGCTGATGCTGGCCCGGAGCAGGTGGGTTTGCAGT-3'
Protein context (NP_006022.3, residues 844-864): PTAQDGELAA[Leu854=]HVKEDCALQL

ClinVar aggregate classification (germline): Likely benign. Review status: criteria provided, single submitter (1 of 4 stars). 2 submissions from 2 submitters: Likely benign (1). 1 of the submissions does not count toward it. Last evaluated 2024-03-15.

Conditions:
PCNT-related disorder. Also called: PCNT-related condition.

Allele frequency attached by ClinVar (database versions not stated): TOPMed below 0.00001; gnomAD exomes 0.00001.
gnomAD v4.1: 4 of 1,611,884 alleles (0.00025%); highest among the groups gnomAD compares: Admixed American, 0.0067%; no homozygotes.

Submissions (2):

Labcorp Genetics (formerly Invitae), Labcorp
Classification: Likely benign. Last evaluated: 2024-03-15. Review status: criteria provided, single submitter. Criteria: Invitae Variant Classification Sherloc (09022015). Collection method: clinical testing. Allele origin: germline.

PreventionGenetics, part of Exact Sciences
Classification: Likely benign for PCNT-related condition. Last evaluated: 2023-03-10. Review status: no assertion criteria provided. Collection method: clinical testing. Allele origin: germline. Not counted in ClinVar's aggregate classification.
Comment: This variant is classified as likely benign based on ACMG/AMP sequence variant interpretation guidelines (Richards et al. 2015 PMID: 25741868, with internal and published modifications).